The following is an entry in ClinVar:

NM_020822.3(KCNT1):c.2111G>T (p.Gly704Val)

Gene: KCNT1 (potassium sodium-activated channel subfamily T member 1; plus strand). Cytogenetic location: 9q34.3.
Variant type: single nucleotide variant.
Coding change: c.2111G>T on transcript NM_020822.3 (MANE Select); coding-DNA position 2111, G replaced by T.
Protein change: p.Gly704Val; replaces glycine 704 with valine.
Molecular consequence: missense variant.
Genome position (GRCh38, 1-based): chr9:135,772,817, G>T. VCF-style: chr9-135772817-G-T. GRCh37 (hg19) VCF-style: chr9-138664663-G-T.
Other names: c.1976G>T, p.Gly659Val (NM_001272003.2); short protein forms G659V, G704V.
Identifiers: ClinVar variation 3748527 (VCV003748527.2).

ClinVar aggregate classification (germline): Uncertain significance (1 of 4 stars; one submission).

Conditions:
Autosomal dominant nocturnal frontal lobe epilepsy 5. Also called: KCNT1-Related Epilepsy; CILIARY DYSKINESIA, PRIMARY, 28, WITHOUT SITUS INVERSUS; CILIARY DYSKINESIA, PRIMARY, 28, WITH SITUS INVERSUS; Epilepsy, nocturnal frontal lobe, 5. Identifiers: Orphanet 98784, MedGen C3554306, MONDO:0014002, OMIM 615005.
Developmental and epileptic encephalopathy, 14 (DEE14). Also called: Early infantile epileptic encephalopathy 14. Identifiers: Orphanet 293181, MedGen C3554195, MONDO:0013989, OMIM 614959.

Submission:

Labcorp Genetics (formerly Invitae), Labcorp
Classification: Uncertain significance for Autosomal dominant nocturnal frontal lobe epilepsy 5; Developmental and epileptic encephalopathy, 14. Last evaluated: 2024-08-29. Review status: criteria provided, single submitter. Criteria: Invitae Variant Classification Sherloc (09022015). Collection method: clinical testing. Allele origin: germline.
Comment: This sequence change replaces glycine, which is neutral and non-polar, with valine, which is neutral and non-polar, at codon 704 of the KCNT1 protein (p.Gly704Val). This variant is not present in population databases (gnomAD no frequency). This variant has not been reported in the literature in individuals affected with KCNT1-related conditions. Invitae Evidence Modeling of protein sequence and biophysical properties (such as structural, functional, and spatial information, amino acid conservation, physicochemical variation, residue mobility, and thermodynamic stability) indicates that this missense variant is not expected to disrupt KCNT1 protein function with a negative predictive value of 80%. In summary, the available evidence is currently insufficient to determine the role of this variant in disease. Therefore, it has been classified as a Variant of Uncertain Significance.